The following is an entry in ClinVar:

NM_001613.4(ACTA2):c.129+126A>G

Gene: ACTA2 (actin alpha 2, smooth muscle; minus strand). Cytogenetic location: 10q23.31.
Variant type: single nucleotide variant.
Coding change: c.129+126A>G on transcript NM_001613.4 (MANE Select); 126 bases into the intron after coding-DNA position 129, A replaced by G.
Molecular consequence: intron variant.
Genome position (GRCh38, 1-based): chr10:88,948,676, T>C on the plus strand (A>G on the coding strand, the complement: ACTA2 is on the minus strand). VCF-style: chr10-88948676-T-C. GRCh37 (hg19) VCF-style: chr10-90708433-T-C.
Other names: c.129+126A>G (NM_001406467.1, NM_001320855.2, NM_001406462.1 and 7 more transcripts).
Identifiers: ClinVar variation 675599 (VCV000675599.4), dbSNP rs76011400, ClinGen allele CA211328254.

ClinVar aggregate classification (germline): Likely benign. Review status: criteria provided, multiple submitters, no conflicts (2 of 4 stars). 2 submissions from 2 submitters: Likely benign (2). Last evaluated 2018-06-14.

Allele frequency attached by ClinVar (database versions not stated): gnomAD exomes 0.00102; 1000 Genomes Project 0.00759; 1000 Genomes Project 30x 0.00765; gnomAD 0.01010 and 0.01094; TOPMed 0.01144.
gnomAD v4.1: 2,794 of 1,314,882 alleles (0.21%); highest among the groups gnomAD compares: African/African-American, 3.4%; 43 homozygotes.

Submissions (2):

GeneDx
Classification: Likely benign. Last evaluated: 2018-06-14. Review status: criteria provided, single submitter. Criteria: GeneDx Variant Classification (06012015). Collection method: clinical testing. Allele origin: germline. Affected: yes.
Comment: This variant is considered likely benign or benign based on one or more of the following criteria: it is a conservative change, it occurs at a poorly conserved position in the protein, it is predicted to be benign by multiple in silico algorithms, and/or has population frequency not consistent with disease.

Breakthrough Genomics
Classification: Likely benign. Review status: criteria provided, single submitter. Criteria: ACMG Guidelines, 2015. Collection method: not provided. Allele origin: germline. Inheritance: Autosomal dominant inheritance. Affected: yes.